The following is an entry in ClinVar:

ClinVar aggregate classification (germline): Pathogenic. Review status: criteria provided, multiple submitters, no conflicts (2 of 4 stars). 2 submissions from 2 submitters: Pathogenic (2). Last evaluated 2023-06-08.

Conditions:
Hereditary diffuse gastric adenocarcinoma (HDGC). Also called: DIFFUSE GASTRIC AND LOBULAR BREAST CANCER SYNDROME. Identifiers: Orphanet 26106, MedGen C1708349, MONDO:0007648, OMIM 137215.

Submissions (2):

Myriad Genetics, Inc.
Classification: Pathogenic for Hereditary diffuse gastric adenocarcinoma. Last evaluated: 2023-06-08. Review status: criteria provided, single submitter. Criteria: Myriad Autosomal Dominant, Autosomal Recessive and X-Linked Classification Criteria (2023). Collection method: clinical testing. Allele origin: unknown.
Comment: This variant is considered pathogenic. This variant creates a termination codon and is predicted to result in premature protein truncation.

Labcorp Genetics (formerly Invitae), Labcorp
Classification: Pathogenic for Hereditary diffuse gastric adenocarcinoma. Last evaluated: 2022-03-14. Review status: criteria provided, single submitter. Criteria: Invitae Variant Classification Sherloc (09022015). Collection method: clinical testing. Allele origin: germline.
Comment: For these reasons, this variant has been classified as Pathogenic. This premature translational stop signal has been observed in individual(s) with diffuse gastric cancer (PMID: 31514334). This variant is not present in population databases (gnomAD no frequency). This sequence change creates a premature translational stop signal (p.Trp103*) in the CDH1 gene. It is expected to result in an absent or disrupted protein product. Loss-of-function variants in CDH1 are known to be pathogenic (PMID: 15235021, 20373070).

Literature cited by the submitters: PubMed 31514334 (cited by Labcorp Genetics (formerly Invitae), Labcorp); PubMed 15235021 (cited by Labcorp Genetics (formerly Invitae), Labcorp); PubMed 20373070 (cited by Labcorp Genetics (formerly Invitae), Labcorp).

NM_004360.5(CDH1):c.309G>A (p.Trp103Ter)

Gene: CDH1 (cadherin 1; plus strand). Cytogenetic location: 16q22.1.
Variant type: single nucleotide variant.
Coding change: c.309G>A on transcript NM_004360.5 (MANE Select); coding-DNA position 309, G replaced by A.
Protein change: p.Trp103Ter; replaces tryptophan 103 with a stop codon.
Molecular consequence: nonsense. On other transcripts: 5 prime UTR variant (2).
Genome position (GRCh38, 1-based): chr16:68,801,815, G>A. VCF-style: chr16-68801815-G-A. GRCh37 (hg19) VCF-style: chr16-68835718-G-A.
Other names: c.309G>A, p.Trp103Ter (NM_001317184.2); c.-1307G>A (NM_001317185.2); c.-1511G>A (NM_001317186.2); short protein forms W103*.
Identifiers: ClinVar variation 1459026 (VCV001459026.8), dbSNP rs2152126900, ClinGen allele CA396457357.